The following is an entry in ClinVar:

NM_004006.3(DMD):c.7395del (p.Met2466fs)

Gene: DMD (dystrophin; minus strand). Cytogenetic location: Xp21.1.
Variant type: Deletion.
Coding change: c.7395del on transcript NM_004006.3 (MANE Select); coding-DNA position 7395, one base deleted (G; older notation c.7395delG).
Protein change: p.Met2466fs; shifts the reading frame from methionine 2466.
Molecular consequence: frameshift variant.
Genome position (GRCh38, 1-based): chrX:31,774,107, C deleted on the plus strand (G on the coding strand, the reverse complement: DMD is on the minus strand). VCF-style (leftmost placement, unchanged base first): chrX-31774106-TC-T. GRCh37 (hg19) VCF-style: chrX-31792223-TC-T.
Other names: c.7371del, p.Met2458fs (NM_000109.4); c.7383del, p.Met2462fs (NM_004009.3); c.7026del, p.Met2343fs (NM_004010.3); c.3372del, p.Met1125fs (NM_004011.4); c.3363del, p.Met1122fs (NM_004012.4); c.15del, p.Met6fs (NM_004013.3, NM_004020.4, NM_004021.3 and 2 more transcripts); short protein forms M1122fs, M1125fs, M2343fs, M2458fs, M2462fs, M2466fs, M6fs.
Identifiers: ClinVar variation 1698501 (VCV001698501.1), dbSNP rs2149245252, ClinGen allele CA2580100608.

ClinVar aggregate classification (germline): Likely pathogenic (1 of 4 stars; one submission).

Conditions:
Neuromuscular disease caused by qualitative or quantitative defects of dystrophin. Also called: Qualitative or quantitative defects of dystrophin. Identifiers: Orphanet 207085, MedGen C5679787, MONDO:0016147.

Submission:

Women's Health and Genetics/Laboratory Corporation of America, LabCorp
Classification: Likely pathogenic for Neuromuscular disease caused by qualitative or quantitative defects of dystrophin. Last evaluated: 2022-06-07. Review status: criteria provided, single submitter. Criteria: LabCorp Variant Classification Summary - May 2015. Collection method: clinical testing. Allele origin: germline.
Comment: Variant summary: DMD c.7395delG (p.Met2466CysfsX28) results in a premature termination codon, predicted to cause a truncation of the encoded protein or absence of the protein due to nonsense mediated decay, which are commonly known mechanisms for disease. Truncations downstream of this position have been classified as pathogenic by our laboratory. The variant was absent in 183177 control chromosomes (gnomAD). c.7395delG has been reported in the literature in at least one hemizygous individual affected with Duchenne Muscular Dystrophy (Flanigan_2009). These data do not allow any conclusion about variant significance. To our knowledge, no experimental evidence demonstrating an impact on protein function has been reported. No clinical diagnostic laboratories have submitted clinical-significance assessments for this variant to ClinVar after 2014. Based on the evidence outlined above, the variant was classified as likely pathogenic.

Literature cited by the submitters: PubMed 19937601.